The following is an entry in ClinVar:

NM_033427.3(CTTNBP2):c.4007A>G (p.Tyr1336Cys)

Gene: CTTNBP2 (cortactin binding protein 2; minus strand). Cytogenetic location: 7q31.31.
Variant type: single nucleotide variant.
Coding change: c.4007A>G on transcript NM_033427.3 (MANE Select); coding-DNA position 4007, A replaced by G.
Protein change: p.Tyr1336Cys; replaces tyrosine 1336 with cysteine.
Molecular consequence: missense variant.
Genome position (GRCh38, 1-based): chr7:117,728,137, T>C on the plus strand (A>G on the coding strand, the complement: CTTNBP2 is on the minus strand). VCF-style: chr7-117728137-T-C. GRCh37 (hg19) VCF-style: chr7-117368191-T-C.
Other names: c.3953A>G, p.Tyr1318Cys (NM_001363349.1); c.1910A>G, p.Tyr637Cys (NM_001363350.1, NM_001363351.1); short protein forms Y1318C, Y1336C, Y637C.
Identifiers: ClinVar variation 2634578 (VCV002634578.2), dbSNP rs372987038, ClinGen allele CA4452019.

ClinVar aggregate classification (germline): Uncertain significance (1 of 4 stars; one submission).

Conditions:
CTTNBP2-related disorder. Also called: CTTNBP2-related condition.

Allele frequency attached by ClinVar (database versions not stated): gnomAD exomes 0.00001; ExAC 0.00005; gnomAD 0.00015; TOPMed 0.00020; ESP Exome Variant Server 0.00023.
gnomAD v4.1: 46 of 1,614,014 alleles (0.0029%); highest among the groups gnomAD compares: African/African-American, 0.052%; no homozygotes.

Submission:

PreventionGenetics, part of Exact Sciences
Classification: Uncertain significance for CTTNBP2-related condition. Last evaluated: 2026-01-20. Review status: criteria provided, single submitter. Criteria: ACMG Guidelines, 2015. Collection method: clinical testing. Allele origin: germline.
Comment: The CTTNBP2 c.4007A>G variant is predicted to result in the amino acid substitution p.Tyr1336Cys. To our knowledge, this variant has not been reported in the literature. This variant is reported in 0.032% of alleles in individuals of African descent in gnomAD. At this time, the clinical significance of this variant is uncertain due to the absence of conclusive functional and genetic evidence.